The following is an entry in ClinVar:

ClinVar aggregate classification (germline): Uncertain significance (1 of 4 stars; one submission).

Submission:

Labcorp Genetics (formerly Invitae), Labcorp
Classification: Uncertain significance. Last evaluated: 2024-06-20. Review status: criteria provided, single submitter. Criteria: Invitae Variant Classification Sherloc (09022015). Collection method: clinical testing. Allele origin: germline.
Comment: This sequence change replaces leucine, which is neutral and non-polar, with proline, which is neutral and non-polar, at codon 3304 of the KMT2A protein (p.Leu3304Pro). This variant is not present in population databases (gnomAD no frequency). This variant has not been reported in the literature in individuals affected with KMT2A-related conditions. Advanced modeling of protein sequence and biophysical properties (such as structural, functional, and spatial information, amino acid conservation, physicochemical variation, residue mobility, and thermodynamic stability) has been performed at Invitae for this missense variant, however the output from this modeling did not meet the statistical confidence thresholds required to predict the impact of this variant on KMT2A protein function. In summary, the available evidence is currently insufficient to determine the role of this variant in disease. Therefore, it has been classified as a Variant of Uncertain Significance.

NM_001197104.2(KMT2A):c.9911T>C (p.Leu3304Pro)

Gene: KMT2A (lysine methyltransferase 2A; plus strand). Cytogenetic location: 11q23.3.
Variant type: single nucleotide variant.
Coding change: c.9911T>C on transcript NM_001197104.2 (MANE Select); coding-DNA position 9911, T replaced by C.
Protein change: p.Leu3304Pro; replaces leucine 3304 with proline.
Molecular consequence: missense variant.
Genome position (GRCh38, 1-based): chr11:118,505,803, T>C. VCF-style: chr11-118505803-T-C. GRCh37 (hg19) VCF-style: chr11-118376518-T-C.
Other names: c.10001T>C, p.Leu3334Pro (NM_001412597.1); c.9902T>C, p.Leu3301Pro (NM_005933.4); short protein forms L3301P, L3334P, L3304P.
Identifiers: ClinVar variation 3669609 (VCV003669609.2).
Genomic context (GRCh38, chr11:118,505,803, plus strand): 5'-CTGTCCCCAACATCATAAAAAGATCTAAATCTAGCATCATGTATTTTGAACCGGCACCCC[T>C]GTTACCACAGAGTGTGGGAGGAACTGCTGCCACAGCGGCAGGCACATCAACAATAAGCCA-3'
Protein context (NP_001184033.1, residues 3294-3314): SSIMYFEPAP[Leu3304Pro]LPQSVGGTAA